The following is an entry in ClinVar:

ClinVar aggregate classification (germline): Likely benign (1 of 4 stars; one submission).

gnomAD v4.1: 9 of 1,612,142 alleles (0.00056%); highest among the groups gnomAD compares: Non-Finnish European, 0.00076%; no homozygotes.

Submission:

Mayo Clinic Laboratories, Mayo Clinic
Classification: Likely benign. Last evaluated: 2025-10-19. Review status: criteria provided, single submitter. Criteria: ACMG Guidelines, 2015. Collection method: clinical testing. Allele origin: germline. Observed: 1 variant allele.
Comment: BP4, BP7

NM_001126121.2(SLC25A19):c.775-8C>T

Genes: MIF4GD-DT (MIF4GD divergent transcript; plus strand), SLC25A19 (solute carrier family 25 member 19; minus strand). Cytogenetic location: 17q25.1.
Variant type: single nucleotide variant.
Coding change: c.775-8C>T on transcript NM_001126121.2 (MANE Select); 8 bases into the intron before coding-DNA position 775, C replaced by T.
Molecular consequence: intron variant. On other transcripts: non-coding transcript variant (1).
Genome position (GRCh38, 1-based): chr17:75,273,647, G>A on the plus strand (C>T on the coding strand, the complement: SLC25A19 is on the minus strand). VCF-style: chr17-75273647-G-A. GRCh37 (hg19) VCF-style: chr17-73269728-G-A.
Other names: p.?; c.775-8C>T (NM_001126122.2, NM_021734.5).
Identifiers: ClinVar variation 4684249 (VCV004684249.1).